The following is an entry in ClinVar:

NM_000297.4(PKD2):c.1537G>A (p.Val513Met)

Gene: PKD2 (polycystin 2, transient receptor potential cation channel; plus strand). Cytogenetic location: 4q22.1.
Variant type: single nucleotide variant.
Coding change: c.1537G>A on transcript NM_000297.4 (MANE Select); coding-DNA position 1537, G replaced by A.
Protein change: p.Val513Met; replaces valine 513 with methionine.
Molecular consequence: missense variant. On other transcripts: non-coding transcript variant (1).
Genome position (GRCh38, 1-based): chr4:88,046,859, G>A. VCF-style: chr4-88046859-G-A. GRCh37 (hg19) VCF-style: chr4-88968011-G-A.
Other names: c.1312G>A, p.Val438Met (NM_001440544.1); short protein forms V438M, V513M.
Identifiers: ClinVar variation 4527208 (VCV004527208.1).
Genomic context (GRCh38, chr4:88,046,859, plus strand): 5'-TTGGAAATTCGCATTCACAAACTACACTATTTCAGGAGTTTCTGGAATTGTCTGGATGTT[G>A]TGATCGTTGTGGTAGGTTTGAGAACAACACCAAATTTCCTATTCTATTCTACAAGCATGT-3'
Protein context (NP_000288.1, residues 503-523): FRSFWNCLDV[Val513Met]IVVLSVVAIG

ClinVar aggregate classification (germline): Uncertain significance (1 of 4 stars; one submission).

gnomAD v4.1: 1 of 1,598,844 alleles (0.000063%); highest among the groups gnomAD compares: Non-Finnish European, 0.000086%; no homozygotes.

Submission:

GeneDx
Classification: Uncertain significance. Last evaluated: 2025-04-25. Review status: criteria provided, single submitter. Criteria: GeneDx Variant Classification Process June 2021. Collection method: clinical testing. Allele origin: germline. Affected: yes.
Comment: Not observed at significant frequency in large population cohorts (gnomAD); In silico analysis indicates that this missense variant does not alter protein structure/function; Has not been previously published as pathogenic or benign to our knowledge